The following is an entry in ClinVar:

NM_001378615.1(CC2D2A):c.3584del (p.Phe1195fs)

Genes: CC2D2A (coiled-coil and C2 domain containing 2A; plus strand), FBXL5 (F-box and leucine rich repeat protein 5; minus strand). Cytogenetic location: 4p15.32.
Variant type: Deletion.
Coding change: c.3584del on transcript NM_001378615.1 (MANE Select); coding-DNA position 3584, one base deleted (T; older notation c.3584delT).
Protein change: p.Phe1195fs; shifts the reading frame from phenylalanine 1195.
Molecular consequence: frameshift variant.
Genome position (GRCh38, 1-based): chr4:15,570,486, T deleted; the last of 3 consecutive T bases (chr4:15,570,484-15,570,486); deleting any one gives the same sequence. VCF-style (leftmost placement, unchanged base first): chr4-15570483-AT-A. GRCh37 (hg19) VCF-style: chr4-15572106-AT-A.
Other names: c.3584delT (NM_001080522.2); c.3584del, p.Phe1195fs (NM_001080522.2); c.3437del, p.Phe1146fs (NM_001378617.1); short protein forms F1195fs, F1146fs.
Identifiers: ClinVar variation 56308 (VCV000056308.2), dbSNP rs386833756, ClinGen allele CA144232.

ClinVar aggregate classification (germline): Likely pathogenic (0 of 4 stars; one submission).

Conditions:
Meckel syndrome, type 6. Identifiers: Orphanet 564, MedGen C2676790, MONDO:0012848, OMIM 612284.

Submission:

Juha Muilu Group; Institute for Molecular Medicine Finland (FIMM)
Classification: Likely pathogenic for Meckel syndrome, type 6. Review status: no assertion criteria provided. Collection method: not provided. Allele origin: unknown.
Comment: FinDis database variant: This variant was not found or characterized by our laboratory, data were collected from public sources: see reference
ClinVar note: Converted during submission from probable-pathogenic to Likely pathogenic.